The following is an entry in ClinVar:

ClinVar aggregate classification (germline): Uncertain significance (1 of 4 stars; one submission).

Conditions:
Gorlin syndrome. Also called: Basal cell nevus syndrome; Nevoid Basal Cell Carcinoma Syndrome. Identifiers: Orphanet 377, MedGen C0004779, MONDO:0007187.

Submission:

Labcorp Genetics (formerly Invitae), Labcorp
Classification: Uncertain significance for Gorlin syndrome. Last evaluated: 2025-06-08. Review status: criteria provided, single submitter. Criteria: Invitae Variant Classification Sherloc (09022015). Collection method: clinical testing. Allele origin: germline.
Comment: This sequence change replaces leucine, which is neutral and non-polar, with glutamine, which is neutral and polar, at codon 731 of the PTCH2 protein (p.Leu731Gln). Information on the frequency of this variant in the gnomAD database is not available, as this variant may be reported differently in the database. This variant has not been reported in the literature in individuals affected with PTCH2-related conditions. An algorithm developed to predict the effect of missense changes on protein structure and function (PolyPhen-2) suggests that this variant is likely to be tolerated. In summary, the available evidence is currently insufficient to determine the role of this variant in disease. Therefore, it has been classified as a Variant of Uncertain Significance.

NM_003738.5(PTCH2):c.2192_2193delinsAA (p.Leu731Gln)

Gene: PTCH2 (patched 2; minus strand). Cytogenetic location: 1p34.1.
Variant type: Indel.
Coding change: c.2192_2193delinsAA on transcript NM_003738.5 (MANE Select); coding-DNA positions 2192 to 2193, TC replaced by AA.
Protein change: p.Leu731Gln; replaces leucine 731 with glutamine.
Molecular consequence: missense variant.
Genome position (GRCh38, 1-based): chr1:44,827,580-44,827,581, GA replaced by TT on the plus strand (TC replaced by AA on the coding strand, the reverse complement: PTCH2 is on the minus strand). VCF-style: chr1-44827580-GA-TT. GRCh37 (hg19) VCF-style: chr1-45293252-GA-TT.
Other names: c.2192_2193delinsAA, p.Leu731Gln (NM_001166292.2); short protein forms L731Q.
Identifiers: ClinVar variation 4810344 (VCV004810344.1).